The following is an entry in ClinVar:

ClinVar aggregate classification (germline): Uncertain significance (1 of 4 stars; one submission).

Conditions:
Dilated cardiomyopathy 1G (CMD1G). Identifiers: Orphanet 154, MedGen C1858763, MONDO:0011400, OMIM 604145.
Autosomal recessive limb-girdle muscular dystrophy type 2J (LGMDR10). Also called: Limb-girdle muscular dystrophy, type 2J; MUSCULAR DYSTROPHY, LIMB-GIRDLE, AUTOSOMAL RECESSIVE 10. Identifiers: Orphanet 140922, MedGen C1837342, MONDO:0012127, OMIM 608807.

Allele frequency attached by ClinVar (database versions not stated): gnomAD exomes below 0.00001; TOPMed 0.00002; gnomAD 0.00003.
gnomAD v4.1: 6 of 1,612,870 alleles (0.00037%); highest among the groups gnomAD compares: African/African-American, 0.008%; no homozygotes.

Submission:

Labcorp Genetics (formerly Invitae), Labcorp
Classification: Uncertain significance for Dilated cardiomyopathy 1G; Autosomal recessive limb-girdle muscular dystrophy type 2J. Last evaluated: 2024-02-26. Review status: criteria provided, single submitter. Criteria: Invitae Variant Classification Sherloc (09022015). Collection method: clinical testing. Allele origin: germline.
Comment: This sequence change replaces tyrosine, which is neutral and polar, with histidine, which is basic and polar, at codon 34911 of the TTN protein (p.Tyr34911His). This variant is not present in population databases (gnomAD no frequency). This variant has not been reported in the literature in individuals affected with TTN-related conditions. ClinVar contains an entry for this variant (Variation ID: 1969426). Experimental studies and prediction algorithms are not available or were not evaluated, and the functional significance of this variant is currently unknown. This variant is located in the M band of TTN (PMID: 25589632). Non-truncating variants in this region may be relevant for neuromuscular disorders, but have not been definitively shown to cause cardiomyopathy (PMID: 23975875). In summary, the available evidence is currently insufficient to determine the role of this variant in disease. Therefore, it has been classified as a Variant of Uncertain Significance.

Literature cited by the submitters: PubMed 25589632; PubMed 23975875.

NM_001267550.2(TTN):c.104731T>C (p.Tyr34911His)

Genes: TTN (titin; minus strand), TTN-AS1 (TTN antisense RNA 1; plus strand). Cytogenetic location: 2q31.2.
Variant type: single nucleotide variant.
Coding change: c.104731T>C on transcript NM_001267550.2 (MANE Select); coding-DNA position 104731, T replaced by C.
Protein change: p.Tyr34911His; replaces tyrosine 34911 with histidine.
Molecular consequence: missense variant.
Genome position (GRCh38, 1-based): chr2:178,531,884, A>G on the plus strand (T>C on the coding strand, the complement: TTN is on the minus strand). VCF-style: chr2-178531884-A-G. GRCh37 (hg19) VCF-style: chr2-179396611-A-G.
Other names: c.99808T>C, p.Tyr33270His (NM_001256850.1); c.77536T>C, p.Tyr25846His (NM_003319.4); c.97027T>C, p.Tyr32343His (NM_133378.4); c.77911T>C, p.Tyr25971His (NM_133432.3); c.78112T>C, p.Tyr26038His (NM_133437.4); short protein forms Y25971H, Y32343H, Y25846H, Y33270H, Y26038H, Y34911H.
Identifiers: ClinVar variation 1969426 (VCV001969426.5), dbSNP rs1325696327, ClinGen allele CA349411049.